The following is an entry in ClinVar:

ClinVar aggregate classification (germline): Uncertain significance (1 of 4 stars; one submission).

Conditions:
Inborn genetic diseases. Identifiers: MedGen C0950123, MeSH D030342.

Submission:

Ambry Genetics
Classification: Uncertain significance for Inborn genetic diseases. Last evaluated: 2025-03-17. Review status: criteria provided, single submitter. Criteria: Ambry Variant Classification Scheme 2023. Collection method: clinical testing. Allele origin: germline.
Comment: The p.Q22K variant (also known as c.64C>A), located in coding exon 1 of the RTEL1 gene, results from a C to A substitution at nucleotide position 64. The glutamine at codon 22 is replaced by lysine, an amino acid with similar properties. This amino acid position is conserved. In addition, this alteration is predicted to be tolerated by in silico analysis. Based on the available evidence, the clinical significance of this variant remains unclear.

NM_001283009.2(RTEL1):c.64C>A (p.Gln22Lys)

Genes: RTEL1 (regulator of telomere elongation helicase 1; plus strand), RTEL1-TNFRSF6B (RTEL1-TNFRSF6B readthrough (NMD candidate); plus strand). Cytogenetic location: 20q13.33.
Variant type: single nucleotide variant.
Coding change: c.64C>A on transcript NM_001283009.2 (MANE Select); coding-DNA position 64, C replaced by A.
Protein change: p.Gln22Lys; replaces glutamine 22 with lysine.
Molecular consequence: missense variant. On other transcripts: non-coding transcript variant (1), intron variant (1).
Genome position (GRCh38, 1-based): chr20:63,659,466, C>A. VCF-style: chr20-63659466-C-A. GRCh37 (hg19) VCF-style: chr20-62290819-C-A.
Other names: c.64C>A, p.Gln22Lys (NM_016434.4, NM_032957.5); c.-568+1007C>A (NM_001283010.1); short protein forms Q22K.
Identifiers: ClinVar variation 3948226 (VCV003948226.1).
Genomic context (GRCh38, chr20:63,659,466, plus strand): 5'-CCCAAGATAGTCCTGAATGGTGTGACCGTAGACTTCCCTTTCCAGCCCTACAAATGCCAA[C>A]AGGAGTACATGACCAAGGTCCTGGAATGTCTGCAGCAGGTAGAGCACAGGCCCCGAGGAA-3'
Protein context (NP_001269938.1, residues 12-32): DFPFQPYKCQ[Gln22Lys]EYMTKVLECL